The following is an entry in ClinVar:

NM_000094.4(COL7A1):c.5424+3A>G

Genes: COL7A1 (collagen type VII alpha 1 chain; minus strand), MIR711 (microRNA 711; minus strand). Cytogenetic location: 3p21.31.
Variant type: single nucleotide variant.
Coding change: c.5424+3A>G on transcript NM_000094.4 (MANE Select); 3 bases into the intron after coding-DNA position 5424, A replaced by G.
Molecular consequence: intron variant. On other transcripts: non-coding transcript variant (1).
Genome position (GRCh38, 1-based): chr3:48,578,916, T>C on the plus strand (A>G on the coding strand, the complement: COL7A1 is on the minus strand). VCF-style: chr3-48578916-T-C. GRCh37 (hg19) VCF-style: chr3-48616349-T-C.
Identifiers: ClinVar variation 2730525 (VCV002730525.3), dbSNP rs777947120, ClinGen allele CA2379515.
Genomic context (GRCh38, chr3:48,578,916, plus strand): 5'-ATGATCTGGTTGGAGCTTACGCAGCCCCGAGCCCCCTCTGTCCCAGCATCTCCCCTCACT[T>C]ACGTCTCTCCCTGGGTCCCCAGCTTTGCCTGCAGCACCCTGAGGAGAGACTCAAAGTCAG-3'

ClinVar aggregate classification (germline): Uncertain significance (1 of 4 stars; one submission).

Allele frequency attached by ClinVar (database versions not stated): gnomAD 0.00001; ExAC 0.00001; gnomAD exomes 0.00001.
gnomAD v4.1: 10 of 1,613,624 alleles (0.00062%); highest among the groups gnomAD compares: Non-Finnish European, 0.00085%; no homozygotes.

Submission:

Labcorp Genetics (formerly Invitae), Labcorp
Classification: Uncertain significance. Last evaluated: 2025-10-04. Review status: criteria provided, single submitter. Criteria: Invitae Variant Classification Sherloc (09022015). Collection method: clinical testing. Allele origin: germline.
Comment: This sequence change falls in intron 62 of the COL7A1 gene. It does not directly change the encoded amino acid sequence of the COL7A1 protein. It affects a nucleotide within the consensus splice site. This variant is present in population databases (rs777947120, gnomAD 0.0009%). This variant has not been reported in the literature in individuals affected with COL7A1-related conditions. ClinVar contains an entry for this variant (Variation ID: 2730525). Variants that disrupt the consensus splice site are a relatively common cause of aberrant splicing (PMID: 17576681, 9536098). Algorithms developed to predict the effect of sequence changes on RNA splicing suggest that this variant is not likely to affect RNA splicing. In summary, the available evidence is currently insufficient to determine the role of this variant in disease. Therefore, it has been classified as a Variant of Uncertain Significance.

Literature cited by the submitters: PubMed 17576681; PubMed 9536098.